The following is an entry in ClinVar:

NM_001122630.2(CDKN1C):c.625C>A (p.Pro209Thr)

Gene: CDKN1C (cyclin dependent kinase inhibitor 1C; minus strand). Cytogenetic location: 11p15.4.
Variant type: single nucleotide variant.
Coding change: c.625C>A on transcript NM_001122630.2 (MANE Select); coding-DNA position 625, C replaced by A.
Protein change: p.Pro209Thr; replaces proline 209 with threonine.
Molecular consequence: missense variant. On other transcripts: intron variant (1).
Genome position (GRCh38, 1-based): chr11:2,884,832, G>T on the plus strand (C>A on the coding strand, the complement: CDKN1C is on the minus strand). VCF-style: chr11-2884832-G-T. GRCh37 (hg19) VCF-style: chr11-2906062-G-T.
Other names: c.658C>A, p.Pro220Thr (NM_000076.2, NM_001362474.2); c.625C>A, p.Pro209Thr (NM_001122631.2); c.255+370C>A (NM_001362475.2); short protein forms P220T, P209T.
Identifiers: ClinVar variation 958858 (VCV000958858.11), dbSNP rs1329147434, ClinGen allele CA379146046.
Genomic context (GRCh38, chr11:2,884,832, plus strand): 5'-CAGCGAGAGGCTCCTGGCCGCGCTGCCCCTGGTTCGCGCCCTGCTCGGCGCTCTCTTGAG[G>T]CGCCGCGTCCGGGGCCGGGGCCGGGGCGGGGGCCGGGGCCGGGGCCGGGGCCGGGGCTGG-3'
Protein context (NP_001116102.1, residues 199-219): PAPAPAPDAA[Pro209Thr]QESAEQGANQ

ClinVar aggregate classification (germline): Uncertain significance. Review status: criteria provided, multiple submitters, no conflicts (2 of 4 stars). 2 submissions from 2 submitters: Uncertain significance (2). Last evaluated 2023-06-30.

Conditions:
Beckwith-Wiedemann syndrome (BWS). Also called: Exomphalos macroglossia gigantism syndrome; EMG SYNDROME. Identifiers: Orphanet 116, MedGen C0004903, MONDO:0007534, OMIM 130650.
IMAGe syndrome. Also called: Intrauterine growth retardation, metaphyseal dysplasia, adrenal hypoplasia congenita, and genital anomalies; Intrauterine Growth Restriction, Metaphyseal Dysplasia, Adrenal Hypoplasia Congenita, and Genital Anomalies. Identifiers: Orphanet 85173, MedGen C1846009, MONDO:0013873, OMIM 614732.

Allele frequency attached by ClinVar (database versions not stated): TOPMed 0.00001.

Submissions (2):

Labcorp Genetics (formerly Invitae), Labcorp
Classification: Uncertain significance for Beckwith-Wiedemann syndrome. Last evaluated: 2023-06-30. Review status: criteria provided, single submitter. Criteria: Invitae Variant Classification Sherloc (09022015). Collection method: clinical testing. Allele origin: germline.
Comment: In summary, the available evidence is currently insufficient to determine the role of this variant in disease. Therefore, it has been classified as a Variant of Uncertain Significance. Advanced modeling of protein sequence and biophysical properties (such as structural, functional, and spatial information, amino acid conservation, physicochemical variation, residue mobility, and thermodynamic stability) performed at Invitae indicates that this missense variant is not expected to disrupt CDKN1C protein function. ClinVar contains an entry for this variant (Variation ID: 958858). This variant has not been reported in the literature in individuals affected with CDKN1C-related conditions. This variant is not present in population databases (gnomAD no frequency). This sequence change replaces proline, which is neutral and non-polar, with threonine, which is neutral and polar, at codon 220 of the CDKN1C protein (p.Pro220Thr).

Fulgent Genetics
Classification: Uncertain significance for Beckwith-Wiedemann syndrome; IMAGe syndrome. Last evaluated: 2022-03-14. Review status: criteria provided, single submitter. Criteria: ACMG Guidelines, 2015. Collection method: clinical testing. Allele origin: unknown.